The following is an entry in ClinVar:

NM_001042432.2(CLN3):c.126-1G>A

Gene: CLN3 (CLN3 lysosomal/endosomal transmembrane protein, battenin; minus strand). Cytogenetic location: 16p12.1.
Variant type: single nucleotide variant.
Coding change: c.126-1G>A on transcript NM_001042432.2 (MANE Select); the canonical splice acceptor site of the intron before coding-DNA position 126, G replaced by A.
Molecular consequence: splice acceptor variant.
Genome position (GRCh38, 1-based): chr16:28,489,387, C>T on the plus strand (G>A on the coding strand, the complement: CLN3 is on the minus strand). VCF-style: chr16-28489387-C-T. GRCh37 (hg19) VCF-style: chr16-28500708-C-T.
Other names: c.-37-1G>A (NM_001286109.2, NM_001286110.2); c.126-1G>A (NM_001286104.2, NM_000086.2); c.-95-1G>A (NM_001286105.2).
Identifiers: ClinVar variation 56254 (VCV000056254.2), dbSNP rs386833705, ClinGen allele CA263630.

ClinVar aggregate classification (germline): Likely pathogenic (0 of 4 stars; one submission).

Conditions:
Neuronal ceroid lipofuscinosis 3 (CLN3). Identifiers: Orphanet 228346, MedGen C0751383, MONDO:0008767, OMIM 204200.

Submission:

Juha Muilu Group; Institute for Molecular Medicine Finland (FIMM)
Classification: Likely pathogenic for Juvenile neuronal ceroid lipofuscinosis. Review status: no assertion criteria provided. Collection method: not provided. Allele origin: unknown.
Comment: FinDis database variant: This variant was not found or characterized by our laboratory, data were collected from public sources: see reference
ClinVar note: Converted during submission from probable-pathogenic to Likely pathogenic.